The following is an entry in ClinVar:

NC_000005.9:g.(?_149294506)_(149294570_?)del

Gene: PDE6A (phosphodiesterase 6A; minus strand). Cytogenetic location: 5q32.
Variant type: Deletion.
Identifiers: ClinVar variation 1075610 (VCV001075610.1).

ClinVar aggregate classification (germline): Pathogenic (1 of 4 stars; one submission).

Submission:

Labcorp Genetics (formerly Invitae), Labcorp
Classification: Pathogenic. Last evaluated: 2020-05-21. Review status: criteria provided, single submitter. Criteria: Invitae Variant Classification Sherloc (09022015). Collection method: clinical testing. Allele origin: germline.
Comment: This variant is an out-of-frame deletion of the genomic region encompassing exon 6 of the PDE6A gene. This is expected to create a premature translational stop signal and result in an absent or disrupted protein product. This variant has not been reported in the literature in individuals with PDE6A-related conditions. Loss-of-function variants in PDE6A are known to be pathogenic (PMID: 7493036, 22128245, 23847139). For these reasons, this variant has been classified as Pathogenic.

Literature cited by the submitters: PubMed 7493036; PubMed 22128245; PubMed 23847139.